The following is an entry in ClinVar:

ClinVar aggregate classification (germline): Uncertain significance (1 of 4 stars; one submission).

Submission:

Dasa
Classification: Uncertain significance. Last evaluated: 2026-06-17. Review status: criteria provided, single submitter. Criteria: DASA Assertion Criteria. Collection method: clinical testing. Allele origin: germline.
Comment: NM_002226.5(JAG2):c.1993G>A (p.Gly665Ser) is a missense variant that results in the substitution of glycine with serine. This variant is rare in population databases. Computational prediction algorithms are consistent with a deleterious effect. The currently available literature and clinical evidence are not sufficient to establish a definitive association between this variant and the reported condition. Therefore, this variant is classified as a variant of uncertain significance.

NM_002226.5(JAG2):c.1993G>A (p.Gly665Ser)

Gene: JAG2 (jagged canonical Notch ligand 2; minus strand). Cytogenetic location: 14q32.33.
Variant type: single nucleotide variant.
Coding change: c.1993G>A on transcript NM_002226.5 (MANE Select); coding-DNA position 1993, G replaced by A.
Protein change: p.Gly665Ser; replaces glycine 665 with serine.
Molecular consequence: missense variant.
Genome position (GRCh38, 1-based): chr14:105,148,772, C>T on the plus strand (G>A on the coding strand, the complement: JAG2 is on the minus strand). VCF-style: chr14-105148772-C-T. GRCh37 (hg19) VCF-style: chr14-105615109-C-T.
Other names: c.1879G>A, p.Gly627Ser (NM_145159.3); short protein forms G627S, G665S.
Identifiers: ClinVar variation 5020354 (VCV005020354.1).